The following is an entry in ClinVar:

ClinVar aggregate classification (germline): Likely benign (1 of 4 stars; one submission).

Conditions:
PKHD1L1-related disorder. Also called: PKHD1L1-related condition.

gnomAD v4.1: 106 of 1,610,368 alleles (0.0066%); highest among the groups gnomAD compares: East Asian, 0.21%; no homozygotes.

Submission:

PreventionGenetics, part of Exact Sciences
Classification: Likely benign for PKHD1L1-related condition. Last evaluated: 2026-08-20. Review status: criteria provided, single submitter. Criteria: ACMG Guidelines, 2015. Collection method: clinical testing. Allele origin: germline.
Comment: This variant is classified as likely benign based on ACMG/AMP sequence variant interpretation guidelines (Richards et al. 2015 PMID: 25741868, with internal and published modifications).

NM_177531.6(PKHD1L1):c.6329C>T (p.Thr2110Ile)

Gene: PKHD1L1 (PKHD1 like 1; plus strand). Cytogenetic location: 8q23.1.
Variant type: single nucleotide variant.
Coding change: c.6329C>T on transcript NM_177531.6 (MANE Select); coding-DNA position 6329, C replaced by T.
Protein change: p.Thr2110Ile; replaces threonine 2110 with isoleucine.
Molecular consequence: missense variant.
Genome position (GRCh38, 1-based): chr8:109,451,128, C>T. VCF-style: chr8-109451128-C-T. GRCh37 (hg19) VCF-style: chr8-110463357-C-T.
Other names: short protein forms T2110I.
Identifiers: ClinVar variation 4985692 (VCV004985692.1).
Genomic context (GRCh38, chr8:109,451,128, plus strand): 5'-CTCCACTCATCACTGCAGTATCTCCTAAGAGAGGCAGTACAGCAGGGGGCACCAGACTGA[C>T]AGTCGTGGGATCAGGATTCAGGTACTGTCTCCACACAAACACGCATCATTGTGCATTTCC-3'
Protein context (NP_803875.2, residues 2100-2120): RGSTAGGTRL[Thr2110Ile]VVGSGFSENM